The following is an entry in ClinVar:

ClinVar aggregate classification (germline): Likely benign. Review status: criteria provided, multiple submitters, no conflicts (2 of 4 stars). 2 submissions from 2 submitters: Likely benign (2). Last evaluated 2025-09-13.

Allele frequency attached by ClinVar (database versions not stated): ExAC 0.00001; gnomAD 0.00001; TOPMed 0.00001; gnomAD exomes 0.00002 and 0.00003.
gnomAD v4.1: 42 of 1,612,566 alleles (0.0026%); highest among the groups gnomAD compares: Non-Finnish European, 0.0032%; no homozygotes.

Submissions (2):

Labcorp Genetics (formerly Invitae), Labcorp
Classification: Likely benign. Last evaluated: 2025-09-13. Review status: criteria provided, single submitter. Criteria: Invitae Variant Classification Sherloc (09022015). Collection method: clinical testing. Allele origin: germline.

GeneDx
Classification: Likely benign. Last evaluated: 2017-10-24. Review status: criteria provided, single submitter. Criteria: GeneDx Variant Classification (06012015). Collection method: clinical testing. Allele origin: germline. Affected: yes.
Comment: This variant is considered likely benign or benign based on one or more of the following criteria: it is a conservative change, it occurs at a poorly conserved position in the protein, it is predicted to be benign by multiple in silico algorithms, and/or has population frequency not consistent with disease.

NM_080680.3(COL11A2):c.1719+19G>A

Gene: COL11A2 (collagen type XI alpha 2 chain; minus strand). Cytogenetic location: 6p21.32.
Variant type: single nucleotide variant.
Coding change: c.1719+19G>A on transcript NM_080680.3 (MANE Select); 19 bases into the intron after coding-DNA position 1719, G replaced by A.
Molecular consequence: intron variant.
Genome position (GRCh38, 1-based): chr6:33,178,660, C>T on the plus strand (G>A on the coding strand, the complement: COL11A2 is on the minus strand). VCF-style: chr6-33178660-C-T. GRCh37 (hg19) VCF-style: chr6-33146437-C-T.
Other names: c.1398+19G>A (NM_080679.3); c.1461+19G>A (NM_080681.3).
Identifiers: ClinVar variation 512874 (VCV000512874.9), dbSNP rs752762822, ClinGen allele CA3751244.